The following is an entry in ClinVar:

ClinVar aggregate classification (germline): Uncertain significance (1 of 4 stars; one submission).

Allele frequency attached by ClinVar (database versions not stated): ExAC 0.00004; gnomAD 0.00004; TOPMed 0.00005; 1000 Genomes Project 0.00040; 1000 Genomes Project 30x 0.00047.
gnomAD v4.1: 42 of 1,528,498 alleles (0.0027%); highest among the groups gnomAD compares: Middle Eastern, 0.02%; 1 homozygote.

Submission:

Labcorp Genetics (formerly Invitae), Labcorp
Classification: Uncertain significance. Last evaluated: 2023-07-27. Review status: criteria provided, single submitter. Criteria: Invitae Variant Classification Sherloc (09022015). Collection method: clinical testing. Allele origin: germline.
Comment: In summary, the available evidence is currently insufficient to determine the role of this variant in disease. Therefore, it has been classified as a Variant of Uncertain Significance. Advanced modeling of protein sequence and biophysical properties (such as structural, functional, and spatial information, amino acid conservation, physicochemical variation, residue mobility, and thermodynamic stability) performed at Invitae indicates that this missense variant is not expected to disrupt LZTS1 protein function. This variant has not been reported in the literature in individuals affected with LZTS1-related conditions. This variant is present in population databases (rs199706626, gnomAD 0.009%). This sequence change replaces alanine, which is neutral and non-polar, with valine, which is neutral and non-polar, at codon 376 of the LZTS1 protein (p.Ala376Val).

NM_021020.5(LZTS1):c.1127C>T (p.Ala376Val)

Gene: LZTS1 (leucine zipper tumor suppressor 1; minus strand). Cytogenetic location: 8p21.3.
Variant type: single nucleotide variant.
Coding change: c.1127C>T on transcript NM_021020.5 (MANE Select); coding-DNA position 1127, C replaced by T.
Protein change: p.Ala376Val; replaces alanine 376 with valine.
Molecular consequence: missense variant.
Genome position (GRCh38, 1-based): chr8:20,252,804, G>A on the plus strand (C>T on the coding strand, the complement: LZTS1 is on the minus strand). VCF-style: chr8-20252804-G-A. GRCh37 (hg19) VCF-style: chr8-20110315-G-A.
Other names: c.1127C>T, p.Ala376Val (NM_001362884.2); short protein forms A376V.
Identifiers: ClinVar variation 2721291 (VCV002721291.3), dbSNP rs199706626, ClinGen allele CA4657359.